The following is an entry in ClinVar:

NM_032043.3(BRIP1):c.2365G>A (p.Val789Met)

Gene: BRIP1 (BRCA1 interacting DNA helicase 1; minus strand). Cytogenetic location: 17q23.2.
Variant type: single nucleotide variant.
Coding change: c.2365G>A on transcript NM_032043.3 (MANE Select); coding-DNA position 2365, G replaced by A.
Protein change: p.Val789Met; replaces valine 789 with methionine.
Molecular consequence: missense variant.
Genome position (GRCh38, 1-based): chr17:61,743,027, C>T on the plus strand (G>A on the coding strand, the complement: BRIP1 is on the minus strand). VCF-style: chr17-61743027-C-T. GRCh37 (hg19) VCF-style: chr17-59820388-C-T.
Other names: short protein forms V789M.
Identifiers: ClinVar variation 4631114 (VCV004631114.1).
Genomic context (GRCh38, chr17:61,743,027, plus strand): 5'-ACCAATGACTCCTGTAATAATAAAACTTAAGGTTTTGATGGCCTACCTGTAGATCTTTCA[C>T]ATTTGGAAAAGGAATTCCTATTGTTATGACAGCACGGGCATTGTCATCTGAGAAATCCAG-3'
Protein context (NP_114432.2, residues 779-799): VITIGIPFPN[Val789Met]KDLQVELKRQ

ClinVar aggregate classification (germline): Uncertain significance (1 of 4 stars; one submission).

Conditions:
Hereditary cancer-predisposing syndrome. Also called: Neoplastic Syndromes, Hereditary; Tumor predisposition; Hereditary Cancer Syndrome; Hereditary neoplastic syndrome. Identifiers: Orphanet 140162, MedGen C0027672, MeSH D009386, MONDO:0015356.

gnomAD v4.1: 2 of 1,613,936 alleles (0.00012%); highest among the groups gnomAD compares: South Asian, 0.0011%; no homozygotes.

Submission:

Ambry Genetics
Classification: Uncertain significance for Hereditary cancer-predisposing syndrome. Last evaluated: 2025-11-17. Review status: criteria provided, single submitter. Criteria: Ambry Variant Classification Scheme 2023. Collection method: clinical testing. Allele origin: germline.
Comment: The p.V789M variant (also known as c.2365G>A), located in coding exon 15 of the BRIP1 gene, results from a G to A substitution at nucleotide position 2365. The valine at codon 789 is replaced by methionine, an amino acid with highly similar properties. This amino acid position is conserved. In addition, the in silico prediction for this alteration is inconclusive. Based on the available evidence, the clinical significance of this variant remains unclear.